The following is an entry in ClinVar:

ClinVar aggregate classification (germline): Conflicting classifications of pathogenicity. Review status: criteria provided, conflicting classifications (1 of 4 stars). 2 submissions from 2 submitters: Uncertain significance (1); Likely benign (1). Last evaluated 2026-01-20.

Conditions:
Inborn genetic diseases. Identifiers: MedGen C0950123, MeSH D030342.

Allele frequency attached by ClinVar (database versions not stated): gnomAD exomes 0.00002; ExAC 0.00003.
gnomAD v4.1: 34 of 1,614,024 alleles (0.0021%); highest among the groups gnomAD compares: East Asian, 0.0045%; no homozygotes.

Submissions (2):

Labcorp Genetics (formerly Invitae), Labcorp
Classification: Uncertain significance. Last evaluated: 2026-01-20. Review status: criteria provided, single submitter. Criteria: Invitae Variant Classification Sherloc (09022015). Collection method: clinical testing. Allele origin: germline.
Comment: This sequence change replaces glycine, which is neutral and non-polar, with glutamic acid, which is acidic and polar, at codon 320 of the MBD4 protein (p.Gly320Glu). This variant is present in population databases (rs750161314, gnomAD 0.007%). This variant has not been reported in the literature in individuals affected with MBD4-related conditions. ClinVar contains an entry for this variant (Variation ID: 2160174). An algorithm developed to predict the effect of missense changes on protein structure and function outputs the following: PolyPhen-2: "Benign". The glutamic acid amino acid residue is found in multiple mammalian species, which suggests that this missense change does not adversely affect protein function. In summary, the available evidence is currently insufficient to determine the role of this variant in disease. Therefore, it has been classified as a Variant of Uncertain Significance.

Ambry Genetics
Classification: Likely benign for Inborn genetic diseases. Last evaluated: 2025-01-09. Review status: criteria provided, single submitter. Criteria: Ambry Variant Classification Scheme 2023. Collection method: clinical testing. Allele origin: germline.

NM_001276270.2(MBD4):c.959G>A (p.Gly320Glu)

Gene: MBD4 (methyl-CpG binding domain 4, DNA glycosylase; minus strand). Cytogenetic location: 3q21.3.
Variant type: single nucleotide variant.
Coding change: c.959G>A on transcript NM_001276270.2 (MANE Select); coding-DNA position 959, G replaced by A.
Protein change: p.Gly320Glu; replaces glycine 320 with glutamic acid.
Molecular consequence: missense variant. On other transcripts: intron variant (1).
Genome position (GRCh38, 1-based): chr3:129,436,685, C>T on the plus strand (G>A on the coding strand, the complement: MBD4 is on the minus strand). VCF-style: chr3-129436685-C-T. GRCh37 (hg19) VCF-style: chr3-129155528-C-T.
Other names: c.959G>A, p.Gly320Glu (NM_001276271.2, NM_001276272.2, NM_003925.3); c.247+1123G>A (NM_001276273.2); short protein forms G320E.
Identifiers: ClinVar variation 2160174 (VCV002160174.5), dbSNP rs750161314, ClinGen allele CA2605439.